The following is an entry in ClinVar:

NM_017649.5(CNNM2):c.2000A>G (p.Lys667Arg)

Gene: CNNM2 (cyclin and CBS domain divalent metal cation transport mediator 2; plus strand). Cytogenetic location: 10q24.32.
Variant type: single nucleotide variant.
Coding change: c.2000A>G on transcript NM_017649.5 (MANE Select); coding-DNA position 2000, A replaced by G.
Protein change: p.Lys667Arg; replaces lysine 667 with arginine.
Molecular consequence: missense variant.
Genome position (GRCh38, 1-based): chr10:103,056,891, A>G. VCF-style: chr10-103056891-A-G. GRCh37 (hg19) VCF-style: chr10-104816648-A-G.
Other names: c.2000A>G, p.Lys667Arg (NM_199076.3); short protein forms K667R.
Identifiers: ClinVar variation 989293 (VCV000989293.4), dbSNP rs2065304496, ClinGen allele CA377960357.

ClinVar aggregate classification (germline): Uncertain significance (1 of 4 stars; one submission).

Conditions:
CNNM2-related neurodevelopmental disorder and hypomagnesemia.

Submission:

Illumina Laboratory Services, Illumina
Classification: Uncertain significance for CNNM2-related neurodevelopmental disorder and hypomagnesemia. Last evaluated: 2019-05-09. Review status: criteria provided, single submitter. Criteria: ICSLVariantClassificationCriteria RUGD 01 April 2020. Collection method: clinical testing. Allele origin: unknown.
Comment: The CNNM2 c.2000A>G (p.Lys667Arg) variant is a missense variant. A literature search was performed for the gene, cDNA change, and amino acid change. No publications were found based on this search. This variant is not found in the Genome Aggregation Database in a region of good sequence coverage, so the variant is presumed to be rare. Based on the limited evidence, the p.Lys667Arg variant is classified as a variant of uncertain significance for CNNM2-related neurodevelopmental disorder and hypomagnesemia.